The following is an entry in ClinVar:

NM_001754.5(RUNX1):c.-60+38dup

Genes: RUNX1 (RUNX family transcription factor 1; minus strand), LOC130066607 (ATAC-STARR-seq lymphoblastoid active region 18417; plus strand). Cytogenetic location: 21q22.12.
Variant type: Duplication.
Coding change: c.-60+38dup on transcript NM_001754.5 (MANE Select); 38 bases into the intron after 60 bases upstream of the start codon, one base duplicated (T; older notation c.-60+38dupT).
Molecular consequence: intron variant.
Genome position (GRCh38, 1-based): chr21:35,049,116, A duplicated on the plus strand (T on the coding strand, the reverse complement: RUNX1 is on the minus strand); the first of 15 consecutive A bases (chr21:35,049,116-35,049,130); duplicating any one gives the same sequence. VCF-style (leftmost placement, unchanged base first): chr21-35049115-T-TA. GRCh37 (hg19) VCF-style: chr21-36421412-T-TA.
Identifiers: ClinVar variation 1268886 (VCV001268886.2), dbSNP rs79420744, ClinGen allele CA637749766.

ClinVar aggregate classification (germline): Benign. Review status: reviewed by expert panel (3 of 4 stars). 2 submissions from 2 submitters: Benign (1). 1 of the submissions does not count toward it. Last evaluated 2024-06-24.

Conditions:
Hereditary thrombocytopenia and hematologic cancer predisposition syndrome. Identifiers: Orphanet 71290, MedGen CN281654, MONDO:0011071.

Submissions (2):

ClinGen Myeloid Malignancy Variant Curation Expert Panel
Classification: Benign for Hereditary thrombocytopenia and hematologic cancer predisposition syndrome. Last evaluated: 2024-06-24. Review status: reviewed by expert panel. Criteria: ClinGen MyeloMalig ACMG Specifications v2. Collection method: curation. Allele origin: germline. Inheritance: Autosomal dominant inheritance.
Comment: The NM_001754.5(RUNX1):c.-60+52dup variant is a deep intronic variant in a homopolymer region that is not predicted by SpliceAI to impact splicing (BP4). The variant highest minor allele frequency (MAF) is 0.05560 (5.0%, 396/7122 alleles) in the African/African American subpopulation of the gnomAD2.1.1 ( ≥ 0.0015 (0.15%) (BP1)). Additionally, this variant is detected in a homozygous state in 10 individuals in a population database (gnomADv2.1.1) (BP2). This deep intronic variant is not well conserved with a phyloP100way score of 0.9 (BP7 ≤2.0). It has not been reported in individuals meeting at least one of the RUNX1 phenotypic criteria. In summary, the clinical significance of this variant is Benign. ACMG/AMP criteria applied, as specified by the Myeloid Malignancy Variant Curation Expert Panel for RUNX1: BP1, BP2, BP4, BP7

GeneDx
Classification: Benign. Last evaluated: 2019-08-11. Review status: criteria provided, single submitter. Criteria: GeneDx Variant Classification Process June 2021. Collection method: clinical testing. Allele origin: germline. Affected: yes. Not counted in ClinVar's aggregate classification.